The following is an entry in ClinVar:

NM_000321.3(RB1):c.1832G>C (p.Arg611Thr)

Gene: RB1 (RB transcriptional corepressor 1; plus strand). Cytogenetic location: 13q14.2.
Variant type: single nucleotide variant.
Coding change: c.1832G>C on transcript NM_000321.3 (MANE Select); coding-DNA position 1832, G replaced by C.
Protein change: p.Arg611Thr; replaces arginine 611 with threonine.
Molecular consequence: missense variant.
Genome position (GRCh38, 1-based): chr13:48,456,221, G>C. VCF-style: chr13-48456221-G-C. GRCh37 (hg19) VCF-style: chr13-49030357-G-C.
Other names: c.1832G>C, p.Arg611Thr (NM_001407165.1); short protein forms R611T.
Identifiers: ClinVar variation 3673781 (VCV003673781.3).

ClinVar aggregate classification (germline): Uncertain significance. Review status: criteria provided, multiple submitters, no conflicts (2 of 4 stars). 2 submissions from 2 submitters: Uncertain significance (2). Last evaluated 2026-07-06.

Conditions:
Retinoblastoma (RB1). Also called: RETINOBLASTOMA, SOMATIC. Identifiers: Orphanet 790, MedGen C0035335, MeSH D012175, MONDO:0008380, OMIM 180200, HP:0009919. Disease mechanism: loss of function. Inheritance: Both sporadic and heritable forms are tested..
Hereditary cancer-predisposing syndrome. Also called: Tumor predisposition; Hereditary neoplastic syndrome; Hereditary Cancer Syndrome; Neoplastic Syndromes, Hereditary. Identifiers: Orphanet 140162, MedGen C0027672, MeSH D009386, MONDO:0015356.

Submissions (2):

Ambry Genetics
Classification: Uncertain significance for Hereditary cancer-predisposing syndrome. Last evaluated: 2026-07-06. Review status: criteria provided, single submitter. Criteria: Ambry Variant Classification Scheme 2023. Collection method: clinical testing. Allele origin: germline.
Comment: The p.R611T variant (also known as c.1832G>C), located in coding exon 19 of the RB1 gene, results from a G to C substitution at nucleotide position 1832. The arginine at codon 611 is replaced by threonine, an amino acid with similar properties. This amino acid position is conserved. In addition, the in silico prediction for this alteration is inconclusive. Based on the available evidence, the clinical significance of this variant remains unclear.

Labcorp Genetics (formerly Invitae), Labcorp
Classification: Uncertain significance for Retinoblastoma. Last evaluated: 2024-12-04. Review status: criteria provided, single submitter. Criteria: Invitae Variant Classification Sherloc (09022015). Collection method: clinical testing. Allele origin: germline.
Comment: This sequence change replaces arginine, which is basic and polar, with threonine, which is neutral and polar, at codon 611 of the RB1 protein (p.Arg611Thr). This variant is not present in population databases (gnomAD no frequency). This variant has not been reported in the literature in individuals affected with RB1-related conditions. Invitae Evidence Modeling of protein sequence and biophysical properties (such as structural, functional, and spatial information, amino acid conservation, physicochemical variation, residue mobility, and thermodynamic stability) indicates that this missense variant is not expected to disrupt RB1 protein function with a negative predictive value of 80%. In summary, the available evidence is currently insufficient to determine the role of this variant in disease. Therefore, it has been classified as a Variant of Uncertain Significance.